The following is an entry in ClinVar:

ClinVar aggregate classification (germline): Uncertain significance (1 of 4 stars; one submission).

gnomAD v4.1: 12 of 1,612,356 alleles (0.00074%); highest among the groups gnomAD compares: Admixed American, 0.0033%; no homozygotes.

Submission:

Labcorp Genetics (formerly Invitae), Labcorp
Classification: Uncertain significance. Last evaluated: 2025-05-08. Review status: criteria provided, single submitter. Criteria: Invitae Variant Classification Sherloc (09022015). Collection method: clinical testing. Allele origin: germline.
Comment: This sequence change replaces tyrosine, which is neutral and polar, with histidine, which is basic and polar, at codon 174 of the FBLN5 protein (p.Tyr174His). This variant is present in population databases (rs147213753, gnomAD 0.003%). This variant has not been reported in the literature in individuals affected with FBLN5-related conditions. ClinVar contains an entry for this variant (Variation ID: 3622328). Invitae Evidence Modeling of protein sequence and biophysical properties (such as structural, functional, and spatial information, amino acid conservation, physicochemical variation, residue mobility, and thermodynamic stability) indicates that this missense variant is not expected to disrupt FBLN5 protein function with a negative predictive value of 80%. In summary, the available evidence is currently insufficient to determine the role of this variant in disease. Therefore, it has been classified as a Variant of Uncertain Significance.

NM_006329.4(FBLN5):c.520T>C (p.Tyr174His)

Gene: FBLN5 (fibulin 5; minus strand). Cytogenetic location: 14q32.12.
Variant type: single nucleotide variant.
Coding change: c.520T>C on transcript NM_006329.4 (MANE Select); coding-DNA position 520, T replaced by C.
Protein change: p.Tyr174His; replaces tyrosine 174 with histidine.
Molecular consequence: missense variant.
Genome position (GRCh38, 1-based): chr14:91,891,320, A>G on the plus strand (T>C on the coding strand, the complement: FBLN5 is on the minus strand). VCF-style: chr14-91891320-A-G. GRCh37 (hg19) VCF-style: chr14-92357664-A-G.
Other names: c.643T>C, p.Tyr215His (NM_001384158.1); c.571T>C, p.Tyr191His (NM_001384159.1); c.520T>C, p.Tyr174His (NM_001384160.1); c.352T>C, p.Tyr118His (NM_001384161.1, NM_001384162.1); short protein forms Y118H, Y174H, Y191H, Y215H.
Identifiers: ClinVar variation 3622328 (VCV003622328.2).